The following is an entry in ClinVar:

NM_004822.3(NTN1):c.1559T>C (p.Val520Ala)

Gene: NTN1 (netrin 1; plus strand). Cytogenetic location: 17p13.1.
Variant type: single nucleotide variant.
Coding change: c.1559T>C on transcript NM_004822.3 (MANE Select); coding-DNA position 1559, T replaced by C.
Protein change: p.Val520Ala; replaces valine 520 with alanine.
Molecular consequence: missense variant.
Genome position (GRCh38, 1-based): chr17:9,239,712, T>C. VCF-style: chr17-9239712-T-C. GRCh37 (hg19) VCF-style: chr17-9143029-T-C.
Other names: short protein forms V520A.
Identifiers: ClinVar variation 3058362 (VCV003058362.2), dbSNP rs766453556, ClinGen allele CA8381371.

ClinVar aggregate classification (germline): Uncertain significance (0 of 4 stars; one submission).

Conditions:
NTN1-related disorder. Also called: NTN1-related condition.

Allele frequency attached by ClinVar (database versions not stated): ExAC 0.00001; gnomAD 0.00001; gnomAD exomes 0.00002; TOPMed 0.00003.
gnomAD v4.1: 28 of 1,613,284 alleles (0.0017%); highest among the groups gnomAD compares: Non-Finnish European, 0.0021%; no homozygotes.

Submission:

PreventionGenetics, part of Exact Sciences
Classification: Uncertain significance for NTN1-related condition. Last evaluated: 2024-02-29. Review status: no assertion criteria provided. Collection method: clinical testing. Allele origin: germline.
Comment: The NTN1 c.1559T>C variant is predicted to result in the amino acid substitution p.Val520Ala. To our knowledge, this variant has not been reported in the literature. This variant is reported in 0.00089% of alleles in individuals of European (Non-Finnish) descent in gnomAD. At this time, the clinical significance of this variant is uncertain due to the absence of conclusive functional and genetic evidence.